The following is an entry in ClinVar:

NM_024422.6(DSC2):c.2147G>T (p.Cys716Phe)

Gene: DSC2 (desmocollin 2; minus strand). Cytogenetic location: 18q12.1.
Variant type: single nucleotide variant.
Coding change: c.2147G>T on transcript NM_024422.6 (MANE Select); coding-DNA position 2147, G replaced by T.
Protein change: p.Cys716Phe; replaces cysteine 716 with phenylalanine.
Molecular consequence: missense variant.
Genome position (GRCh38, 1-based): chr18:31,070,829, C>A on the plus strand (G>T on the coding strand, the complement: DSC2 is on the minus strand). VCF-style: chr18-31070829-C-A. GRCh37 (hg19) VCF-style: chr18-28650795-C-A.
Other names: c.1718G>T, p.Cys573Phe (NM_001406506.1, NM_001406507.1); c.2147G>T, p.Cys716Phe (NM_004949.5); short protein forms C573F, C716F.
Identifiers: ClinVar variation 3069370 (VCV003069370.3), dbSNP rs764008863, ClinGen allele CA035114.

ClinVar aggregate classification (germline): Uncertain significance. Review status: criteria provided, multiple submitters, no conflicts (2 of 4 stars). 2 submissions from 2 submitters: Uncertain significance (2). Last evaluated 2025-10-19.

Conditions:
Arrhythmogenic right ventricular dysplasia 11. Also called: ARRHYTHMOGENIC RIGHT VENTRICULAR DYSPLASIA, FAMILIAL, 11; Arrhythmogenic Right Ventricular Dysplasia/Cardiomyopathy11; Arrhythmogenic right ventricular dysplasia 11 with mild palmoplantar keratoderma and woolly hair. Identifiers: MedGen C1864850, MONDO:0012506, OMIM 610476.
Familial isolated arrhythmogenic right ventricular dysplasia. Identifiers: Orphanet 217656, MedGen C4274968, MONDO:0016342.

Allele frequency attached by ClinVar (database versions not stated): ExAC 0.00001.
gnomAD v4.1: 2 of 1,613,864 alleles (0.00012%); highest among the groups gnomAD compares: Admixed American, 0.0033%; no homozygotes.

Submissions (2):

Labcorp Genetics (formerly Invitae), Labcorp
Classification: Uncertain significance for Arrhythmogenic right ventricular dysplasia 11. Last evaluated: 2025-10-19. Review status: criteria provided, single submitter. Criteria: Invitae Variant Classification Sherloc (09022015). Collection method: clinical testing. Allele origin: germline.
Comment: This sequence change replaces cysteine, which is neutral and slightly polar, with phenylalanine, which is neutral and non-polar, at codon 716 of the DSC2 protein (p.Cys716Phe). This variant is present in population databases (rs764008863, gnomAD 0.006%). This variant has not been reported in the literature in individuals affected with DSC2-related conditions. ClinVar contains an entry for this variant (Variation ID: 3069370). Invitae Evidence Modeling of protein sequence and biophysical properties (such as structural, functional, and spatial information, amino acid conservation, physicochemical variation, residue mobility, and thermodynamic stability) indicates that this missense variant is expected to disrupt DSC2 protein function with a positive predictive value of 80%. In summary, the available evidence is currently insufficient to determine the role of this variant in disease. Therefore, it has been classified as a Variant of Uncertain Significance.

All of Us Research Program, National Institutes of Health
Classification: Uncertain significance for Familial isolated arrhythmogenic right ventricular dysplasia. Last evaluated: 2024-03-28. Review status: criteria provided, single submitter. Criteria: ACMG Guidelines, 2015. Collection method: clinical testing. Allele origin: germline. Inheritance: Autosomal dominant inheritance. Observed: 3 variant alleles, 3 heterozygotes.
Comment: This missense variant replaces cysteine with phenylalanine at codon 716 of the DSC2 protein. Computational prediction suggests that this variant may not impact protein structure and function (internally defined REVEL score threshold <= 0.5, PMID: 27666373). To our knowledge, functional studies have not been reported for this variant. This variant has not been reported in individuals affected with cardiovascular disorders in the literature. This variant has been identified in 2/251286 chromosomes in the general population by the Genome Aggregation Database (gnomAD). The available evidence is insufficient to determine the role of this variant in disease conclusively. Therefore, this variant is classified as a Variant of Uncertain Significance.

This study involves interpretation of variants in research participants for the purpose of population health screening. Participant phenotype was not available at the time of variant classification. Additional details can be found in publication PMID: 35346344, PMCID: PMC8962531